The following is an entry in ClinVar:

ClinVar aggregate classification (germline): Likely pathogenic (1 of 4 stars; one submission).

Conditions:
Intellectual developmental disorder, X-linked 1. Also called: Atkin Flaitz Patil Smith syndrome; Intellectual disability, X-linked 1; MENTAL RETARDATION, X-LINKED 18; MENTAL RETARDATION, X-LINKED 78. Identifiers: Orphanet 777, MedGen C2931498, MONDO:0010656, OMIM 309530.

Submission:

Neuberg Centre For Genomic Medicine, NCGM
Classification: Likely pathogenic for Intellectual developmental disorder, X-linked 1. Last evaluated: 2023-06-02. Review status: criteria provided, single submitter. Criteria: ACMG Guidelines, 2015. Collection method: clinical testing. Allele origin: germline. Inheritance: X-linked dominant inheritance. Affected: yes.
Comment: The observed frameshift variant c.675del(p.Ser226AlafsTer31) in IQSEC2 gene has not been reported previously as a pathogenic variant nor as a benign variant, to our knowledge. The (p.Ser226AlafsTer31) variant is absent in gnomAD Exomes. This variant causes a frameshift starting with codon Serine 226, changes this amino acid to Alanine residue, and creates a premature Stop codon at position 31 of the new reading frame, denoted p.Ser226AlafsTer31. This variant is predicted to cause loss of normal protein function through protein truncation. Loss of function variants have been previously reported to be disease causing (Zerem A, et al., 2016). For these reasons, this variant has been classified as Likely Pathogenic.

NM_001111125.3(IQSEC2):c.675del (p.Ser226fs)

Gene: IQSEC2 (IQ motif and Sec7 domain ArfGEF 2; minus strand). Cytogenetic location: Xp11.22.
Variant type: Deletion.
Coding change: c.675del on transcript NM_001111125.3 (MANE Select); coding-DNA position 675, one base deleted (C; older notation c.675delC).
Protein change: p.Ser226fs; shifts the reading frame from serine 226.
Molecular consequence: frameshift variant.
Genome position (GRCh38, 1-based): chrX:53,320,449, G deleted on the plus strand (C on the coding strand, the reverse complement: IQSEC2 is on the minus strand); the first of 2 consecutive G bases (chrX:53,320,449-53,320,450); deleting either gives the same sequence. VCF-style (leftmost placement, unchanged base first): chrX-53320448-TG-T. GRCh37 (hg19) VCF-style: chrX-53349646-TG-T.
Other names: c.675del, p.Ser226fs (NM_001410736.1); short protein forms S226fs.
Identifiers: ClinVar variation 3362291 (VCV003362291.3).